The following is an entry in ClinVar:

NM_007294.4(BRCA1):c.3647T>G (p.Leu1216Ter)

Genes: BRCA1 (BRCA1 DNA repair associated; minus strand), LOC126862571 (BRD4-independent group 4 enhancer GRCh37_chr17:41243136-41244335; plus strand). Cytogenetic location: 17q21.31.
Variant type: single nucleotide variant.
Coding change: c.3647T>G on transcript NM_007294.4 (MANE Select); coding-DNA position 3647, T replaced by G.
Protein change: p.Leu1216Ter; replaces leucine 1216 with a stop codon.
Molecular consequence: nonsense. On other transcripts: intron variant (135).
Genome position (GRCh38, 1-based): chr17:43,091,884, A>C on the plus strand (T>G on the coding strand, the complement: BRCA1 is on the minus strand). VCF-style: chr17-43091884-A-C. GRCh37 (hg19) VCF-style: chr17-41243901-A-C.
Other names: c.3434T>G, p.Leu1145Ter (NM_001407571.1, NM_001407853.1, NM_001407894.1 and 9 more transcripts); c.3647T>G, p.Leu1216Ter (NM_001407581.1, NM_001407582.1, NM_001407583.1 and 30 more transcripts); c.3644T>G, p.Leu1215Ter (NM_001407587.1, NM_001407590.1, NM_001407591.1 and 22 more transcripts); c.3638T>G, p.Leu1213Ter (NM_001407646.1, NM_001407647.1); c.3524T>G, p.Leu1175Ter (NM_001407648.1, NM_001407664.1, NM_001407665.1 and 19 more transcripts); c.3521T>G, p.Leu1174Ter (NM_001407649.1, NM_001407670.1, NM_001407671.1 and 11 more transcripts); c.3569T>G, p.Leu1190Ter (NM_001407653.1, NM_001407654.1, NM_001407655.1 and 4 more transcripts); c.3566T>G, p.Leu1189Ter (NM_001407659.1, NM_001407660.1, NM_001407661.1 and 1 more transcripts); and 41 more; short protein forms L1216*, L1169*, L1088*, L1175*, L1189*, L1127*, L1128*, L1148*.
Identifiers: ClinVar variation 54951 (VCV000054951.4), dbSNP rs397509091, ClinGen allele CA002334.

ClinVar aggregate classification (germline): Pathogenic. Review status: reviewed by expert panel (3 of 4 stars). 3 submissions from 3 submitters: Pathogenic (1). 2 of the submissions do not count toward it. Last evaluated 2017-12-15.

Conditions:
Familial cancer of breast. Also called: hereditary breast carcinoma; BREAST CANCER, FAMILIAL; Hereditary breast cancer. Identifiers: Orphanet 227535, MedGen C0346153, MONDO:0016419, OMIM 114480. Disease mechanism: loss of function.
Hereditary breast ovarian cancer syndrome. Also called: BRCA1- and BRCA2-Associated Hereditary Breast and Ovarian Cancer; Hereditary breast and ovarian cancer syndrome; Hereditary breast and ovarian cancer syndrome (HBOC); Breast and ovarian cancer; Hereditary breast and/or ovarian cancer syndrome; Hereditary breast and ovarian cancer. Identifiers: Orphanet 145, MedGen C0677776, MeSH D061325, MONDO:0003582. Disease mechanism: loss of function.
Breast-ovarian cancer, familial, susceptibility to, 1 (BROVCA1). Also called: BRCA1 Hereditary Breast and Ovarian Cancer; OVARIAN CANCER, SUSCEPTIBILITY TO. Identifiers: Orphanet 145, MedGen C2676676, MONDO:0011450, OMIM 604370. Disease mechanism: loss of function.

Allele frequency attached by ClinVar (database versions not stated): gnomAD exomes below 0.00001.
gnomAD v4.1: 1 of 1,614,176 alleles (0.000062%); highest among the groups gnomAD compares: East Asian, 0.0022%; no homozygotes.

Submissions (3):

Evidence-based Network for the Interpretation of Germline Mutant Alleles (ENIGMA)
Classification: Pathogenic for Breast-ovarian cancer, familial, susceptibility to, 1. Last evaluated: 2017-12-15. Review status: reviewed by expert panel. Criteria: ENIGMA BRCA1/2 Classification Criteria (2017-06-29). Collection method: curation. Allele origin: germline. Study: ENIGMA.
Comment: Variant allele predicted to encode a truncated non-functional protein.

Women's Health and Genetics/Laboratory Corporation of America, LabCorp
Classification: Pathogenic for Hereditary breast and ovarian cancer syndrome. Last evaluated: 2019-12-06. Review status: criteria provided, single submitter. Criteria: LabCorp Variant Classification Summary - May 2015. Collection method: clinical testing. Allele origin: germline. Not counted in ClinVar's aggregate classification.
Comment: Variant summary: BRCA1 c.3647T>G (p.Leu1216X) results in a premature termination codon, predicted to cause a truncation of the encoded protein or absence of the protein due to nonsense mediated decay, which are commonly known mechanisms for disease. Truncations downstream of this position have been classified as pathogenic by our laboratory. The variant was absent in 251308 control chromosomes. c.3647T>G has been reported in the literature in at-least two reports of individuals from Japanese families affected with Hereditary Breast and Ovarian Cancer (example, Yamashita_1999, Sekine_2001). These data indicate that the variant may be associated with disease. To our knowledge, no experimental evidence demonstrating an impact on protein function has been reported. One expert panel (ENIGMA) has submitted clinical-significance assessments for this variant to ClinVar after 2014 without evidence for independent evaluation and classified the variant as pathogenic. Based on the evidence outlined above, the variant was classified as pathogenic.

ClinVar Staff, National Center for Biotechnology Information (NCBI)
No classification provided. Condition: Familial cancer of breast. Review status: no classification provided. Collection method: literature only. Allele origin: germline. Affected: yes. Not counted in ClinVar's aggregate classification.

Literature cited by the submitters: PubMed 11595708 (cited by Women's Health and Genetics/Laboratory Corporation of America, LabCorp); PubMed 10634513 (cited by Women's Health and Genetics/Laboratory Corporation of America, LabCorp and ClinVar Staff, National Center for Biotechnology Information (NCBI)).